The following is an entry in ClinVar:

ClinVar aggregate classification (germline): Uncertain significance (1 of 4 stars; one submission).

Conditions:
Fanconi anemia (FA). Also called: Fanconi's anemia. Identifiers: Orphanet 84, MedGen C0015625, MeSH D005199, MONDO:0019391.

gnomAD v4.1: 4 of 1,614,138 alleles (0.00025%); highest among the groups gnomAD compares: Admixed American, 0.005%; no homozygotes.

Submission:

Labcorp Genetics (formerly Invitae), Labcorp
Classification: Uncertain significance for Fanconi anemia. Last evaluated: 2025-07-21. Review status: criteria provided, single submitter. Criteria: Invitae Variant Classification Sherloc (09022015). Collection method: clinical testing. Allele origin: germline.
Comment: This sequence change replaces alanine, which is neutral and non-polar, with threonine, which is neutral and polar, at codon 2 of the FANCL protein (p.Ala2Thr). This variant is present in population databases (rs144057264, gnomAD 0.003%). This variant has not been reported in the literature in individuals affected with FANCL-related conditions. ClinVar contains an entry for this variant (Variation ID: 2121481). An algorithm developed to predict the effect of missense changes on protein structure and function (PolyPhen-2) suggests that this variant is likely to be tolerated. In summary, the available evidence is currently insufficient to determine the role of this variant in disease. Therefore, it has been classified as a Variant of Uncertain Significance.

NM_018062.4(FANCL):c.4G>A (p.Ala2Thr)

Gene: FANCL (FA complementation group L; minus strand). Cytogenetic location: 2p16.1.
Variant type: single nucleotide variant.
Coding change: c.4G>A on transcript NM_018062.4 (MANE Select); coding-DNA position 4, G replaced by A.
Protein change: p.Ala2Thr; replaces alanine 2 with threonine.
Molecular consequence: missense variant.
Genome position (GRCh38, 1-based): chr2:58,241,310, C>T on the plus strand (G>A on the coding strand, the complement: FANCL is on the minus strand). VCF-style: chr2-58241310-C-T. GRCh37 (hg19) VCF-style: chr2-58468445-C-T.
Other names: c.4G>A, p.Ala2Thr (NM_001114636.2, NM_001374615.1, NM_001410792.1); short protein forms A2T.
Identifiers: ClinVar variation 2121481 (VCV002121481.4), dbSNP rs144057264, ClinGen allele CA1670855.